The following is an entry in ClinVar:

ClinVar aggregate classification (germline): Likely benign. Review status: criteria provided, multiple submitters, no conflicts (2 of 4 stars). 7 submissions from 7 submitters: Likely benign (6). 1 of the submissions does not count toward it. Last evaluated 2026-01-15.

Conditions:
SBF2-related disorder. Also called: SBF2-related condition.
Charcot-Marie-Tooth disease. Also called: Charcot-Marie-Tooth Neuropathy; Charcot-Marie-Tooth Hereditary Neuropathy. Identifiers: Orphanet 166, MedGen C0007959, MONDO:0015626.
Charcot-Marie-Tooth disease type 4. Also called: Charcot-Marie-Tooth disease, type IV; Charcot-Marie-Tooth, Type 4. Identifiers: Orphanet 64749, MedGen C4082197, MONDO:0018995.
Charcot-Marie-Tooth disease type 4B2. Also called: CHARCOT-MARIE-TOOTH DISEASE, WITH FOCALLY FOLDED MYELIN SHEATHS, AUTOSOMAL RECESSIVE, TYPE 4B2; CHARCOT-MARIE-TOOTH DISEASE, DEMYELINATING, TYPE 4B2; Charcot-Marie-Tooth Neuropathy Type 4B2; CMT 4B2. Identifiers: Orphanet 99956, MedGen C1858278, MONDO:0011475, OMIM 604563.

Allele frequency attached by ClinVar (database versions not stated): ExAC 0.00021; gnomAD 0.00026 and 0.00027; gnomAD exomes 0.00026 and 0.00032; TOPMed 0.00026; ESP Exome Variant Server 0.00031.
gnomAD v4.1: 455 of 1,482,400 alleles (0.031%); highest among the groups gnomAD compares: Non-Finnish European, 0.041%; no homozygotes.

Submissions (8):

Labcorp Genetics (formerly Invitae), Labcorp
Classification: Likely benign for Charcot-Marie-Tooth disease type 4. Last evaluated: 2026-01-15. Review status: criteria provided, single submitter. Criteria: Invitae Variant Classification Sherloc (09022015). Collection method: clinical testing. Allele origin: germline.

Women's Health and Genetics/Laboratory Corporation of America, LabCorp
Classification: Likely benign. Last evaluated: 2025-12-17. Review status: criteria provided, single submitter. Criteria: LabCorp Variant Classification Summary - May 2015. Collection method: clinical testing. Allele origin: germline.
Comment: Variant summary: SBF2 c.513+18A>T alters a non-conserved nucleotide located at a position not widely known to affect splicing. Consensus agreement among computation tools predict no significant impact on normal splicing. However, these predictions have yet to be confirmed by functional studies. The variant allele was found at a frequency of 0.00026 in 251042 control chromosomes, predominantly at a frequency of 0.00051 within the Non-Finnish European subpopulation in the gnomAD database. This frequency is not significantly higher than estimated for disease-causing variants in SBF2, allowing no conclusion about variant significance. To our knowledge, no occurrence of c.513+18A>T in individuals affected with SBF2-related conditions and no experimental evidence demonstrating its impact on protein function have been reported. ClinVar contains an entry for this variant (Variation ID: 516375). Based on the evidence outlined above, the variant was classified as likely benign.

ARUP Laboratories, Molecular Genetics and Genomics, ARUP Laboratories
Classification: Likely benign for Charcot-Marie-Tooth disease type 4B2. Last evaluated: 2025-02-24. Review status: criteria provided, single submitter. Criteria: ARUP Molecular Germline Variant Investigation Process 2024. Collection method: clinical testing. Allele origin: germline.

Blueprint Genetics
Classification: Likely benign. Last evaluated: 2024-11-21. Review status: criteria provided, single submitter. Criteria: ACMG Guidelines, 2015. Collection method: clinical testing. Allele origin: germline.

GeneDx
Classification: Likely benign. Last evaluated: 2017-09-20. Review status: criteria provided, single submitter. Criteria: GeneDx Variant Classification (06012015). Collection method: clinical testing. Allele origin: germline. Affected: yes.
Comment: This variant is considered likely benign or benign based on one or more of the following criteria: it is a conservative change, it occurs at a poorly conserved position in the protein, it is predicted to be benign by multiple in silico algorithms, and/or has population frequency not consistent with disease.

Molecular Genetics Laboratory, London Health Sciences Centre
Classification: Likely benign for Charcot-Marie-Tooth disease. Review status: criteria provided, single submitter. Criteria: ACMG Guidelines, 2015. Collection method: clinical testing. Allele origin: germline. Affected: yes.

PreventionGenetics, part of Exact Sciences
Classification: Likely benign for SBF2-related condition. Last evaluated: 2023-05-25. Review status: no assertion criteria provided. Collection method: clinical testing. Allele origin: germline. Not counted in ClinVar's aggregate classification.
Comment: This variant is classified as likely benign based on ACMG/AMP sequence variant interpretation guidelines (Richards et al. 2015 PMID: 25741868, with internal and published modifications).

Dr. Peter K. Rogan Lab, Western University
No classification provided (evidence only). Condition: Acute myeloid leukemia. Review status: no classification provided. Collection method: in vitro. Allele origin: not applicable. Functional consequence: retained intron. Not counted in ClinVar's aggregate classification.

NM_030962.4(SBF2):c.513+18A>T

Gene: SBF2 (SET binding factor 2; minus strand). Cytogenetic location: 11p15.4.
Variant type: single nucleotide variant.
Coding change: c.513+18A>T on transcript NM_030962.4 (MANE Select); 18 bases into the intron after coding-DNA position 513, A replaced by T.
Molecular consequence: intron variant.
Genome position (GRCh38, 1-based): chr11:10,029,747, T>A on the plus strand (A>T on the coding strand, the complement: SBF2 is on the minus strand). VCF-style: chr11-10029747-T-A. GRCh37 (hg19) VCF-style: chr11-10051294-T-A.
Other names: c.513+18A>T (NM_001386342.1, NM_001386339.1).
Identifiers: ClinVar variation 516375 (VCV000516375.16), dbSNP rs201201683, ClinGen allele CA5882105.